The following is an entry in ClinVar:

NM_024312.5(GNPTAB):c.2823T>G (p.Ile941Met)

Gene: GNPTAB (N-acetylglucosamine-1-phosphate transferase subunits alpha and beta; minus strand). Cytogenetic location: 12q23.2.
Variant type: single nucleotide variant.
Coding change: c.2823T>G on transcript NM_024312.5 (MANE Select); coding-DNA position 2823, T replaced by G.
Protein change: p.Ile941Met; replaces isoleucine 941 with methionine.
Molecular consequence: missense variant.
Genome position (GRCh38, 1-based): chr12:101,761,656, A>C on the plus strand (T>G on the coding strand, the complement: GNPTAB is on the minus strand). VCF-style: chr12-101761656-A-C. GRCh37 (hg19) VCF-style: chr12-102155434-A-C.
Other names: short protein forms I941M.
Identifiers: ClinVar variation 4794372 (VCV004794372.1).
Genomic context (GRCh38, chr12:101,761,656, plus strand): 5'-AATCATGTGAGGCATGTGAGCAGGGACTTTCCGCGATGTGAATCCAAACTTGCTATTTAG[A>C]ATTTTATTTACATATCTGAGGGAATCTGCAAATGTATCTTTTAGTTGCCTCCCAGTATTT-3'
Protein context (NP_077288.2, residues 931-951): FADSLRYVNK[Ile941Met]LNSKFGFTSR

ClinVar aggregate classification (germline): Uncertain significance (1 of 4 stars; one submission).

Conditions:
Mucolipidosis type II. Also called: ML II ALPHA/BETA; Mucolipidosis 2; ML 2; Inclusion cell disease; Leroy Disease; N-acetylglucosamine 1phosphotransferase deficiency. Identifiers: Orphanet 576, MedGen C2673377, MONDO:0009650, OMIM 252500.
Pseudo-Hurler polydystrophy. Also called: ML III; ML III ALPHA/BETA; MUCOLIPIDOSIS IIIA; Type III Mucolipidosis; ML IIIA; Mucolipidosis III Alpha/Beta. Identifiers: Orphanet 423461, Orphanet 577, MedGen C0033788, MONDO:0018931, OMIM 252600.

gnomAD v4.1: 3 of 1,614,106 alleles (0.00019%); highest among the groups gnomAD compares: Non-Finnish European, 0.00025%; no homozygotes.

Submission:

Labcorp Genetics (formerly Invitae), Labcorp
Classification: Uncertain significance for Pseudo-Hurler polydystrophy; Mucolipidosis type II. Last evaluated: 2025-09-05. Review status: criteria provided, single submitter. Criteria: Invitae Variant Classification Sherloc (09022015). Collection method: clinical testing. Allele origin: germline.
Comment: This sequence change replaces isoleucine, which is neutral and non-polar, with methionine, which is neutral and non-polar, at codon 941 of the GNPTAB protein (p.Ile941Met). This variant is not present in population databases (gnomAD no frequency). This variant has not been reported in the literature in individuals affected with GNPTAB-related conditions. Invitae Evidence Modeling of protein sequence and biophysical properties (such as structural, functional, and spatial information, amino acid conservation, physicochemical variation, residue mobility, and thermodynamic stability) indicates that this missense variant is not expected to disrupt GNPTAB protein function with a negative predictive value of 80%. In summary, the available evidence is currently insufficient to determine the role of this variant in disease. Therefore, it has been classified as a Variant of Uncertain Significance.